The following is an entry in ClinVar:

ClinVar aggregate classification (germline): Uncertain significance. Review status: criteria provided, multiple submitters, no conflicts (2 of 4 stars). 3 submissions from 3 submitters: Uncertain significance (3). Last evaluated 2024-12-31.

Conditions:
Hereditary cancer-predisposing syndrome. Also called: Neoplastic Syndromes, Hereditary; Tumor predisposition; Hereditary Cancer Syndrome; Hereditary neoplastic syndrome. Identifiers: Orphanet 140162, MedGen C0027672, MeSH D009386, MONDO:0015356.
Breast-ovarian cancer, familial, susceptibility to, 4. Identifiers: Orphanet 145, MedGen C3280345, MONDO:0013669, OMIM 614291.

Submissions (3):

GeneDx
Classification: Uncertain significance. Last evaluated: 2024-12-31. Review status: criteria provided, single submitter. Criteria: GeneDx Variant Classification Process June 2021. Collection method: clinical testing. Allele origin: germline. Affected: yes.
Comment: Not observed at significant frequency in large population cohorts (gnomAD); In silico analysis indicates that this missense variant does not alter protein structure/function; Has not been previously published as pathogenic or benign to our knowledge; This variant is associated with the following publications: (PMID: 21111057, 14704354, 19327148)

Labcorp Genetics (formerly Invitae), Labcorp
Classification: Uncertain significance for Breast-ovarian cancer, familial, susceptibility to, 4. Last evaluated: 2024-07-30. Review status: criteria provided, single submitter. Criteria: Invitae Variant Classification Sherloc (09022015). Collection method: clinical testing. Allele origin: germline.
Comment: This sequence change replaces leucine, which is neutral and non-polar, with valine, which is neutral and non-polar, at codon 133 of the RAD51D protein (p.Leu133Val). This variant is not present in population databases (gnomAD no frequency). This variant has not been reported in the literature in individuals affected with RAD51D-related conditions. ClinVar contains an entry for this variant (Variation ID: 1736680). Advanced modeling of protein sequence and biophysical properties (such as structural, functional, and spatial information, amino acid conservation, physicochemical variation, residue mobility, and thermodynamic stability) performed at Invitae indicates that this missense variant is not expected to disrupt RAD51D protein function with a negative predictive value of 80%. In summary, the available evidence is currently insufficient to determine the role of this variant in disease. Therefore, it has been classified as a Variant of Uncertain Significance.

Ambry Genetics
Classification: Uncertain significance for Hereditary cancer-predisposing syndrome. Last evaluated: 2021-06-13. Review status: criteria provided, single submitter. Criteria: Ambry Variant Classification Scheme 2023. Collection method: clinical testing. Allele origin: germline.
Comment: The p.L133V variant (also known as c.397C>G), located in coding exon 5 of the RAD51D gene, results from a C to G substitution at nucleotide position 397. The leucine at codon 133 is replaced by valine, an amino acid with highly similar properties. This amino acid position is conserved. In addition, this alteration is predicted to be tolerated by in silico analysis. Since supporting evidence is limited at this time, the clinical significance of this alteration remains unclear.

NM_002878.4(RAD51D):c.397C>G (p.Leu133Val)

Genes: RAD51D (RAD51 paralog D; minus strand), RAD51L3-RFFL (RAD51L3-RFFL readthrough; minus strand). Cytogenetic location: 17q12.
Variant type: single nucleotide variant.
Coding change: c.397C>G on transcript NM_002878.4 (MANE Select); coding-DNA position 397, C replaced by G.
Protein change: p.Leu133Val; replaces leucine 133 with valine.
Molecular consequence: missense variant. On other transcripts: non-coding transcript variant (1), intron variant (1).
Genome position (GRCh38, 1-based): chr17:35,107,071, G>C on the plus strand (C>G on the coding strand, the complement: RAD51D is on the minus strand). VCF-style: chr17-35107071-G-C. GRCh37 (hg19) VCF-style: chr17-33434090-G-C.
Other names: c.457C>G, p.Leu153Val (NM_001142571.2); c.145-590C>G (NM_133629.3); short protein forms L133V, L153V.
Identifiers: ClinVar variation 1736680 (VCV001736680.5), dbSNP rs1555568338, ClinGen allele CA399089305.